The following is an entry in ClinVar:

ClinVar aggregate classification (germline): Uncertain significance (1 of 4 stars; one submission).

Submission:

Labcorp Genetics (formerly Invitae), Labcorp
Classification: Uncertain significance. Last evaluated: 2025-09-16. Review status: criteria provided, single submitter. Criteria: Invitae Variant Classification Sherloc (09022015). Collection method: clinical testing. Allele origin: germline.
Comment: This variant, c.114_131dup, results in the insertion of 6 amino acid(s) of the PPP2R5D protein (p.Pro42_Gln47dup), but otherwise preserves the integrity of the reading frame. This variant is present in population databases (rs761162230, gnomAD 0.02%). This variant has been observed in individual(s) with clinical features of PPP2R5D-related conditions (internal data). ClinVar contains an entry for this variant (Variation ID: 1989717). Experimental studies and prediction algorithms are not available or were not evaluated, and the functional significance of this variant is currently unknown. In summary, the available evidence is currently insufficient to determine the role of this variant in disease. Therefore, it has been classified as a Variant of Uncertain Significance.

NM_006245.4(PPP2R5D):c.114_131dup (p.Gln47_Ala48insProGlnProGlnProGln)

Gene: PPP2R5D (protein phosphatase 2 regulatory subunit B'delta; plus strand). Cytogenetic location: 6p21.1.
Variant type: Duplication.
Coding change: c.114_131dup on transcript NM_006245.4 (MANE Select); coding-DNA positions 114 to 131, 18 bases duplicated (GCAGCCCCAGCCCCAGCC).
Protein change: p.Gln47_Ala48insProGlnProGlnProGln.
Molecular consequence: inframe insertion. On other transcripts: 5 prime UTR variant (1), intron variant (1).
Genome position (GRCh38, 1-based): chr6:43,006,471-43,006,488, GCAGCCCCAGCCCCAGCC duplicated; duplicating any 18 consecutive bases within chr6:43,006,464-43,006,488 gives the same sequence; the c. name uses the placement nearest the transcript's 3' end. VCF-style (leftmost placement, unchanged base first): chr6-43006463-G-GCCCAGCCGCAGCCCCAGC. GRCh37 (hg19) VCF-style: chr6-42974201-G-GCCCAGCCGCAGCCCCAGC.
Other names: c.-340_-323dup (NM_001270476.2); c.114_131dup, p.Gln47_Ala48insProGlnProGlnProGln (NM_180976.3); c.28-463_28-446dup (NM_180977.3).
Identifiers: ClinVar variation 1989717 (VCV001989717.4), dbSNP rs761162230, ClinGen allele CA3811747.
Genomic context (GRCh38, chr6:43,006,463, plus strand): 5'-GGCCCAGGGTGGGAGGCATATCTTGGGAAGTGGATTTCAACAGGTGACTTGTTTGACCAG[G>GCCCAGCCGCAGCCCCAGC]CCCAGCCGCAGCCCCAGCCCCAGCCCCAGCCCCAAGCCCAGTCTCAGCCACCGTCATCCA-3'